The following is an entry in ClinVar:

ClinVar aggregate classification (germline): Uncertain significance (1 of 4 stars; one submission).

Conditions:
LAMA2-related muscular dystrophy (LAMA2-RD). Also called: Laminin alpha 2-related dystrophy. Identifiers: MedGen C5679788, MONDO:0100228.

Submission:

Labcorp Genetics (formerly Invitae), Labcorp
Classification: Uncertain significance for LAMA2-related muscular dystrophy. Last evaluated: 2022-08-14. Review status: criteria provided, single submitter. Criteria: Invitae Variant Classification Sherloc (09022015). Collection method: clinical testing. Allele origin: germline.
Comment: This variant has not been reported in the literature in individuals affected with LAMA2-related conditions. This variant is not present in population databases (gnomAD no frequency). This sequence change replaces glycine, which is neutral and non-polar, with valine, which is neutral and non-polar, at codon 450 of the LAMA2 protein (p.Gly450Val). Advanced modeling of protein sequence and biophysical properties (such as structural, functional, and spatial information, amino acid conservation, physicochemical variation, residue mobility, and thermodynamic stability) performed at Invitae indicates that this missense variant is not expected to disrupt LAMA2 protein function. In summary, the available evidence is currently insufficient to determine the role of this variant in disease. Therefore, it has been classified as a Variant of Uncertain Significance.

NM_000426.4(LAMA2):c.1349G>T (p.Gly450Val)

Gene: LAMA2 (laminin subunit alpha 2; plus strand). Cytogenetic location: 6q22.33.
Variant type: single nucleotide variant.
Coding change: c.1349G>T on transcript NM_000426.4 (MANE Select); coding-DNA position 1349, G replaced by T.
Protein change: p.Gly450Val; replaces glycine 450 with valine.
Molecular consequence: missense variant.
Genome position (GRCh38, 1-based): chr6:129,177,748, G>T. VCF-style: chr6-129177748-G-T. GRCh37 (hg19) VCF-style: chr6-129498893-G-T.
Other names: c.1349G>T, p.Gly450Val (NM_001079823.2); short protein forms G450V.
Identifiers: ClinVar variation 1987698 (VCV001987698.4), dbSNP rs1780685401, ClinGen allele CA365607480.